The following is an entry in ClinVar:

ClinVar aggregate classification (germline): Uncertain significance (1 of 4 stars; one submission).

Allele frequency attached by ClinVar (database versions not stated): gnomAD 0.00009 and 0.00011; TOPMed 0.00011; gnomAD exomes 0.00017 and 0.00020; ExAC 0.00034.
gnomAD v4.1: 288 of 1,532,036 alleles (0.019%); highest among the groups gnomAD compares: East Asian, 0.58%; 2 homozygotes.

Submission:

Labcorp Genetics (formerly Invitae), Labcorp
Classification: Uncertain significance. Last evaluated: 2022-10-13. Review status: criteria provided, single submitter. Criteria: Invitae Variant Classification Sherloc (09022015). Collection method: clinical testing. Allele origin: germline.
Comment: This sequence change replaces proline, which is neutral and non-polar, with leucine, which is neutral and non-polar, at codon 508 of the SAMD11 protein (p.Pro508Leu). This variant is present in population databases (rs751254863, gnomAD 0.2%). This variant has not been reported in the literature in individuals affected with SAMD11-related conditions. ClinVar contains an entry for this variant (Variation ID: 841641). Algorithms developed to predict the effect of missense changes on protein structure and function (SIFT, PolyPhen-2, Align-GVGD) all suggest that this variant is likely to be disruptive. In summary, the available evidence is currently insufficient to determine the role of this variant in disease. Therefore, it has been classified as a Variant of Uncertain Significance.

NM_001385641.1(SAMD11):c.2012C>T (p.Pro671Leu)

Gene: SAMD11 (sterile alpha motif domain containing 11; plus strand). Cytogenetic location: 1p36.33.
Variant type: single nucleotide variant.
Coding change: c.2012C>T on transcript NM_001385641.1 (MANE Select); coding-DNA position 2012, C replaced by T.
Protein change: p.Pro671Leu; replaces proline 671 with leucine.
Molecular consequence: missense variant.
Genome position (GRCh38, 1-based): chr1:943,017, C>T. VCF-style: chr1-943017-C-T. GRCh37 (hg19) VCF-style: chr1-878397-C-T.
Other names: c.2015C>T, p.Pro672Leu (NM_001385640.1); c.1523C>T, p.Pro508Leu (NM_152486.4); short protein forms P508L, P671L, P672L.
Identifiers: ClinVar variation 841641 (VCV000841641.5), dbSNP rs751254863, ClinGen allele CA503053.
Genomic context (GRCh38, chr1:943,017, plus strand): 5'-AAGCTCCAGCTGGAGGGGCCGGCGCCGAGGGGAAGGGGCTTTTCCCAGGGTCCACACTGC[C>T]CCTGGGCTTCCCTTATGCCGTCAGCCCCTACTTCCACACAGGTGGGCACCCCCACACTCT-3'
Protein context (NP_001372570.1, residues 661-681): GKGLFPGSTL[Pro671Leu]LGFPYAVSPY